The following is an entry in ClinVar:

NM_002485.5(NBN):c.2144A>G (p.Lys715Arg)

Gene: NBN (nibrin; minus strand). Cytogenetic location: 8q21.3.
Variant type: single nucleotide variant.
Coding change: c.2144A>G on transcript NM_002485.5 (MANE Select); coding-DNA position 2144, A replaced by G.
Protein change: p.Lys715Arg; replaces lysine 715 with arginine.
Molecular consequence: missense variant.
Genome position (GRCh38, 1-based): chr8:89,943,293, T>C on the plus strand (A>G on the coding strand, the complement: NBN is on the minus strand). VCF-style: chr8-89943293-T-C. GRCh37 (hg19) VCF-style: chr8-90955521-T-C.
Other names: c.1898A>G, p.Lys633Arg (NM_001024688.3); short protein forms K633R, K715R.
Identifiers: ClinVar variation 1719238 (VCV001719238.9), dbSNP rs2488191136, ClinGen allele CA371675449.

ClinVar aggregate classification (germline): Uncertain significance. Review status: criteria provided, multiple submitters, no conflicts (2 of 4 stars). 2 submissions from 2 submitters: Uncertain significance (2). Last evaluated 2025-08-25.

Conditions:
Microcephaly, normal intelligence and immunodeficiency (NBS). Also called: Nijmegen breakage syndrome; Microcephaly with normal intelligence immunodeficiency and lymphoreticular malignancies; Nonsyndromal microcephaly autosomal recessive with normal intelligence; Seemanova syndrome 2; Ataxia telangiectasia variant V1; SEEMANOVA SYNDROME II. Identifiers: Orphanet 647, MedGen C0398791, MONDO:0009623, OMIM 251260.
Hereditary cancer-predisposing syndrome. Also called: Hereditary neoplastic syndrome; Tumor predisposition; Neoplastic Syndromes, Hereditary; Hereditary Cancer Syndrome. Identifiers: Orphanet 140162, MedGen C0027672, MeSH D009386, MONDO:0015356.

Submissions (2):

Ambry Genetics
Classification: Uncertain significance for Hereditary cancer-predisposing syndrome. Last evaluated: 2025-08-25. Review status: criteria provided, single submitter. Criteria: Ambry Variant Classification Scheme 2023. Collection method: clinical testing. Allele origin: germline.
Comment: The p.K715R variant (also known as c.2144A>G), located in coding exon 14 of the NBN gene, results from an A to G substitution at nucleotide position 2144. The lysine at codon 715 is replaced by arginine, an amino acid with highly similar properties. This amino acid position is conserved. In addition, this alteration is predicted to be tolerated by in silico analysis. Since supporting evidence is limited at this time, the clinical significance of this alteration remains unclear.

Labcorp Genetics (formerly Invitae), Labcorp
Classification: Uncertain significance for Microcephaly, normal intelligence and immunodeficiency. Last evaluated: 2022-09-10. Review status: criteria provided, single submitter. Criteria: Invitae Variant Classification Sherloc (09022015). Collection method: clinical testing. Allele origin: germline.
Comment: This sequence change replaces lysine, which is basic and polar, with arginine, which is basic and polar, at codon 715 of the NBN protein (p.Lys715Arg). This variant is not present in population databases (gnomAD no frequency). This variant has not been reported in the literature in individuals affected with NBN-related conditions. Algorithms developed to predict the effect of missense changes on protein structure and function (SIFT, PolyPhen-2, Align-GVGD) all suggest that this variant is likely to be tolerated. In summary, the available evidence is currently insufficient to determine the role of this variant in disease. Therefore, it has been classified as a Variant of Uncertain Significance.